The following is an entry in ClinVar:

NM_003289.4(TPM2):c.485A>T (p.Tyr162Phe)

Gene: TPM2 (tropomyosin 2; minus strand). Cytogenetic location: 9p13.3.
Variant type: single nucleotide variant.
Coding change: c.485A>T on transcript NM_003289.4 (MANE Select); coding-DNA position 485, A replaced by T.
Protein change: p.Tyr162Phe; replaces tyrosine 162 with phenylalanine.
Molecular consequence: missense variant.
Genome position (GRCh38, 1-based): chr9:35,685,441, T>A on the plus strand (A>T on the coding strand, the complement: TPM2 is on the minus strand). VCF-style: chr9-35685441-T-A. GRCh37 (hg19) VCF-style: chr9-35685438-T-A.
Other names: c.485A>T, p.Tyr162Phe (NM_001301226.2, NM_001301227.2, NM_213674.1); short protein forms Y162F.
Identifiers: ClinVar variation 2816289 (VCV002816289.3), dbSNP rs2490683136, ClinGen allele CA373366986.

ClinVar aggregate classification (germline): Uncertain significance (1 of 4 stars; one submission).

Conditions:
Arthrogryposis, distal, type 1A. Also called: ARTHROGRYPOSIS MULTIPLEX CONGENITA, DISTAL, TYPE I. Identifiers: Orphanet 1146, MedGen C6022280, MONDO:0007157, OMIM 108120.

Submission:

Labcorp Genetics (formerly Invitae), Labcorp
Classification: Uncertain significance for Arthrogryposis, distal, type 1A. Last evaluated: 2022-11-24. Review status: criteria provided, single submitter. Criteria: Invitae Variant Classification Sherloc (09022015). Collection method: clinical testing. Allele origin: germline.
Comment: In summary, the available evidence is currently insufficient to determine the role of this variant in disease. Therefore, it has been classified as a Variant of Uncertain Significance. Advanced modeling of protein sequence and biophysical properties (such as structural, functional, and spatial information, amino acid conservation, physicochemical variation, residue mobility, and thermodynamic stability) performed at Invitae indicates that this missense variant is not expected to disrupt TPM2 protein function. This variant has not been reported in the literature in individuals affected with TPM2-related conditions. This variant is not present in population databases (gnomAD no frequency). This sequence change replaces tyrosine, which is neutral and polar, with phenylalanine, which is neutral and non-polar, at codon 162 of the TPM2 protein (p.Tyr162Phe).